The following is an entry in ClinVar:

NM_001844.5(COL2A1):c.1077C>G (p.Val359=)

Gene: COL2A1 (collagen type II alpha 1 chain; minus strand). Cytogenetic location: 12q13.11.
Variant type: single nucleotide variant.
Coding change: c.1077C>G on transcript NM_001844.5 (MANE Select); coding-DNA position 1077, C replaced by G.
Protein change: p.Val359=; no amino-acid change (valine 359 retained).
Molecular consequence: synonymous variant.
Genome position (GRCh38, 1-based): chr12:47,989,273, G>C on the plus strand (C>G on the coding strand, the complement: COL2A1 is on the minus strand). VCF-style: chr12-47989273-G-C. GRCh37 (hg19) VCF-style: chr12-48383056-G-C.
Other names: c.870C>G, p.Val290= (NM_033150.3).
Identifiers: ClinVar variation 308928 (VCV000308928.15), dbSNP rs202002349, ClinGen allele CA6535612.
Genomic context (GRCh38, chr12:47,989,273, plus strand): 5'-CAACAGGGCACGTACCTTGGCTCCAGGAGCACCAGGGAAGCCAGGACCACCAGCAGGACC[G>C]ACAGGACCCTGGAGAGAGTAGGCGGATGAGAAGAGAGGTGAATGCCAGTTCTGGCCTCCA-3'
Protein context (NP_001835.3, residues 349-369): QPGPAGPPGP[Val359=]GPAGGPGFPG

ClinVar aggregate classification (germline): Conflicting classifications of pathogenicity. Review status: criteria provided, conflicting classifications (1 of 4 stars). 5 submissions from 4 submitters: Uncertain significance (1); Likely benign (4). Last evaluated 2025-06-17.

Conditions:
Stickler syndrome type 1 (STL1). Also called: COL2A1-Related Stickler Syndrome; ARTHROOPHTHALMOPATHY, HEREDITARY PROGRESSIVE; STICKLER SYNDROME, MEMBRANOUS VITREOUS TYPE; STICKLER SYNDROME, VITREOUS TYPE 1. Identifiers: Orphanet 828, Orphanet 90653, MedGen C2020284, MONDO:0007160, OMIM 108300.
Type 2 collagenopathy. Identifiers: Orphanet 93421, MedGen C2931073, MONDO:0022800.

Allele frequency attached by ClinVar (database versions not stated): TOPMed 0.00002.
gnomAD v4.1: 63 of 1,612,778 alleles (0.0039%); highest among the groups gnomAD compares: Non-Finnish European, 0.0053%; no homozygotes.

Submissions (5):

Labcorp Genetics (formerly Invitae), Labcorp
Classification: Likely benign. Last evaluated: 2025-06-17. Review status: criteria provided, single submitter. Criteria: Invitae Variant Classification Sherloc (09022015). Collection method: clinical testing. Allele origin: germline.

Women's Health and Genetics/Laboratory Corporation of America, LabCorp
Classification: Likely benign. Last evaluated: 2025-04-03. Review status: criteria provided, single submitter. Criteria: LabCorp Variant Classification Summary - May 2015. Collection method: clinical testing. Allele origin: germline.

Blueprint Genetics
Classification: Likely benign. Last evaluated: 2024-07-11. Review status: criteria provided, single submitter. Criteria: ACMG Guidelines, 2015. Collection method: clinical testing. Allele origin: germline.

Illumina Laboratory Services, Illumina
Classification: Uncertain significance for Stickler syndrome type 1. Last evaluated: 2018-01-13. Review status: criteria provided, single submitter. Criteria: ICSL Variant Classification Criteria 13 December 2019. Collection method: clinical testing. Allele origin: germline.

Illumina Laboratory Services, Illumina
Classification: Likely benign for Type II Collagenopathies. Last evaluated: 2018-01-13. Review status: criteria provided, single submitter. Criteria: ICSL Variant Classification Criteria 13 December 2019. Collection method: clinical testing. Allele origin: germline.
Comment: This variant was observed in the ICSL laboratory as part of a predisposition screen in an ostensibly healthy population. It had not been previously curated by ICSL or reported in the Human Gene Mutation Database (HGMD: prior to June 1st, 2018), and was therefore a candidate for classification through an automated scoring system. Utilizing variant allele frequency, disease prevalence and penetrance estimates, and inheritance mode, an automated score was calculated to assess if this variant is too frequent to cause the disease. Based on the score and internal cut-off values, a variant classified as likely benign is not then subjected to further curation. The score for this variant resulted in a classification of likely benign for this disease.